The following is an entry in ClinVar:

ClinVar aggregate classification (germline): Uncertain significance (1 of 4 stars; one submission).

Conditions:
Cardiovascular phenotype. Identifiers: MedGen CN230736.

Submission:

Ambry Genetics
Classification: Uncertain significance for Cardiovascular phenotype. Last evaluated: 2026-09-11. Review status: criteria provided, single submitter. Criteria: Ambry Variant Classification Scheme 2023. Collection method: clinical testing. Allele origin: germline.
Comment: The p.K2392I variant (also known as c.7175A>T), located in coding exon 26 of the APOB gene, results from an A to T substitution at nucleotide position 7175. The lysine at codon 2392 is replaced by isoleucine, an amino acid with dissimilar properties. This amino acid position is conserved. In addition, this alteration is predicted to be tolerated by in silico analysis. Based on the available evidence, the clinical significance of this variant remains unclear.

NM_000384.3(APOB):c.7175A>T (p.Lys2392Ile)

Gene: APOB (apolipoprotein B; minus strand). Cytogenetic location: 2p24.1.
Variant type: single nucleotide variant.
Coding change: c.7175A>T on transcript NM_000384.3 (MANE Select); coding-DNA position 7175, A replaced by T.
Protein change: p.Lys2392Ile; replaces lysine 2392 with isoleucine.
Molecular consequence: missense variant.
Genome position (GRCh38, 1-based): chr2:21,009,693, T>A on the plus strand (A>T on the coding strand, the complement: APOB is on the minus strand). VCF-style: chr2-21009693-T-A. GRCh37 (hg19) VCF-style: chr2-21232565-T-A.
Other names: short protein forms K2392I.
Identifiers: ClinVar variation 2262898 (VCV002262898.3), dbSNP rs2465369731, ClinGen allele CA345997758.